The following is an entry in ClinVar:

ClinVar aggregate classification (germline): Uncertain significance. Review status: criteria provided, multiple submitters, no conflicts (2 of 4 stars). 2 submissions from 2 submitters: Uncertain significance (2). Last evaluated 2025-08-22.

Allele frequency attached by ClinVar (database versions not stated): ExAC 0.00004; ESP Exome Variant Server 0.00023; 1000 Genomes Project 0.00040; 1000 Genomes Project 30x 0.00047.
gnomAD v4.1: 57 of 1,613,986 alleles (0.0035%); highest among the groups gnomAD compares: African/African-American, 0.063%; no homozygotes.

Submissions (2):

Ambry Genetics
Classification: Uncertain significance. Last evaluated: 2025-08-22. Review status: criteria provided, single submitter. Criteria: Ambry Variant Classification Scheme 2023. Collection method: clinical testing. Allele origin: germline.

Labcorp Genetics (formerly Invitae), Labcorp
Classification: Uncertain significance. Last evaluated: 2023-10-17. Review status: criteria provided, single submitter. Criteria: Invitae Variant Classification Sherloc (09022015). Collection method: clinical testing. Allele origin: germline.
Comment: This sequence change replaces arginine, which is basic and polar, with glutamine, which is neutral and polar, at codon 3386 of the FAT2 protein (p.Arg3386Gln). This variant is present in population databases (rs61738800, gnomAD 0.05%). This variant has not been reported in the literature in individuals affected with FAT2-related conditions. ClinVar contains an entry for this variant (Variation ID: 2186259). An algorithm developed to predict the effect of missense changes on protein structure and function (PolyPhen-2) suggests that this variant is likely to be disruptive. In summary, the available evidence is currently insufficient to determine the role of this variant in disease. Therefore, it has been classified as a Variant of Uncertain Significance.

NM_001447.3(FAT2):c.10157G>A (p.Arg3386Gln)

Genes: FAT2 (FAT atypical cadherin 2; minus strand), SLC36A1 (solute carrier family 36 member 1; plus strand). Cytogenetic location: 5q33.1.
Variant type: single nucleotide variant.
Coding change: c.10157G>A on transcript NM_001447.3 (MANE Select); coding-DNA position 10157, G replaced by A.
Protein change: p.Arg3386Gln; replaces arginine 3386 with glutamine.
Molecular consequence: missense variant.
Genome position (GRCh38, 1-based): chr5:151,528,003, C>T on the plus strand (G>A on the coding strand, the complement: FAT2 is on the minus strand). VCF-style: chr5-151528003-C-T. GRCh37 (hg19) VCF-style: chr5-150907564-C-T.
Other names: c.10157G>A (NM_001447.2); short protein forms R3386Q.
Identifiers: ClinVar variation 2186259 (VCV002186259.5), dbSNP rs61738800, ClinGen allele CA3520359.
Genomic context (GRCh38, chr5:151,528,003, plus strand): 5'-GACTGTGTCTCTGCTCTAATGAGCTCAGGGTGCGCCCCTCCCACATGACTCACCTGTTCC[C>T]GGTCCAGGGCCTTGGCCACCTGTAGCTCCCCCTTTTTGGGGTGAATGGTGAAGTGCCCAA-3'
Protein context (NP_001438.1, residues 3376-3396): GELQVAKALD[Arg3386Gln]EQASSYSLKL